The following is an entry in ClinVar:

ClinVar aggregate classification (germline): Uncertain significance (1 of 4 stars; one submission).

Submission:

Labcorp Genetics (formerly Invitae), Labcorp
Classification: Uncertain significance. Last evaluated: 2025-02-04. Review status: criteria provided, single submitter. Criteria: Invitae Variant Classification Sherloc (09022015). Collection method: clinical testing. Allele origin: germline.
Comment: This sequence change replaces phenylalanine, which is neutral and non-polar, with valine, which is neutral and non-polar, at codon 502 of the XYLT2 protein (p.Phe502Val). This variant is not present in population databases (gnomAD no frequency). This variant has not been reported in the literature in individuals affected with XYLT2-related conditions. Invitae Evidence Modeling of protein sequence and biophysical properties (such as structural, functional, and spatial information, amino acid conservation, physicochemical variation, residue mobility, and thermodynamic stability) indicates that this missense variant is expected to disrupt XYLT2 protein function with a positive predictive value of 80%. In summary, the available evidence is currently insufficient to determine the role of this variant in disease. Therefore, it has been classified as a Variant of Uncertain Significance.

NM_022167.4(XYLT2):c.1504T>G (p.Phe502Val)

Gene: XYLT2 (xylosyltransferase 2; plus strand). Cytogenetic location: 17q21.33.
Variant type: single nucleotide variant.
Coding change: c.1504T>G on transcript NM_022167.4 (MANE Select); coding-DNA position 1504, T replaced by G.
Protein change: p.Phe502Val; replaces phenylalanine 502 with valine.
Molecular consequence: missense variant.
Genome position (GRCh38, 1-based): chr17:50,356,532, T>G. VCF-style: chr17-50356532-T-G. GRCh37 (hg19) VCF-style: chr17-48433893-T-G.
Other names: short protein forms F502V.
Identifiers: ClinVar variation 4743565 (VCV004743565.1).